The following is an entry in ClinVar:

NM_199420.4(POLQ):c.184C>T (p.Pro62Ser)

Gene: POLQ (DNA polymerase theta; minus strand). Cytogenetic location: 3q13.33.
Variant type: single nucleotide variant.
Coding change: c.184C>T on transcript NM_199420.4 (MANE Select); coding-DNA position 184, C replaced by T.
Protein change: p.Pro62Ser; replaces proline 62 with serine.
Molecular consequence: missense variant.
Genome position (GRCh38, 1-based): chr3:121,544,886, G>A on the plus strand (C>T on the coding strand, the complement: POLQ is on the minus strand). VCF-style: chr3-121544886-G-A. GRCh37 (hg19) VCF-style: chr3-121263733-G-A.
Other names: short protein forms P62S.
Identifiers: ClinVar variation 2624450 (VCV002624450.2), dbSNP rs2546828010, ClinGen allele CA354095017.

ClinVar aggregate classification (germline): Uncertain significance (1 of 4 stars; one submission).

Submission:

Ambry Genetics
Classification: Uncertain significance. Last evaluated: 2023-09-10. Review status: criteria provided, single submitter. Criteria: Ambry Variant Classification Scheme 2023. Collection method: clinical testing. Allele origin: germline.
Comment: The p.P62S variant (also known as c.184C>T), located in coding exon 2 of the POLQ gene, results from a C to T substitution at nucleotide position 184. The proline at codon 62 is replaced by serine, an amino acid with similar properties. This amino acid position is conserved. In addition, this alteration is predicted to be tolerated by in silico analysis. Since supporting evidence is limited at this time, the clinical significance of this alteration remains unclear.